The following is an entry in ClinVar:

ClinVar aggregate classification (germline): Uncertain significance (1 of 4 stars; one submission).

Submission:

Labcorp Genetics (formerly Invitae), Labcorp
Classification: Uncertain significance. Last evaluated: 2024-10-16. Review status: criteria provided, single submitter. Criteria: Invitae Variant Classification Sherloc (09022015). Collection method: clinical testing. Allele origin: germline.
Comment: This sequence change creates a premature translational stop signal (p.His62Thrfs*43) in the CEP19 gene. While this is not anticipated to result in nonsense mediated decay, it is expected to disrupt the last 106 amino acid(s) of the CEP19 protein. This variant is not present in population databases (gnomAD no frequency). This variant has not been reported in the literature in individuals affected with CEP19-related conditions. ClinVar contains an entry for this variant (Variation ID: 1473039). Experimental studies and prediction algorithms are not available or were not evaluated, and the functional significance of this variant is currently unknown. In summary, the available evidence is currently insufficient to determine the role of this variant in disease. Therefore, it has been classified as a Variant of Uncertain Significance.

NM_032898.5(CEP19):c.170dup (p.His58fs)

Gene: CEP19 (centrosomal protein 19; minus strand). Cytogenetic location: 3q29.
Variant type: Duplication.
Coding change: c.170dup on transcript NM_032898.5 (MANE Select); coding-DNA position 170, one base duplicated (G; older notation c.170dupG).
Protein change: p.His58fs; shifts the reading frame from histidine 58.
Molecular consequence: frameshift variant.
Genome position (GRCh38, 1-based): chr3:196,707,873, C duplicated on the plus strand (G on the coding strand, the reverse complement: CEP19 is on the minus strand). VCF-style (leftmost placement, unchanged base first): chr3-196707872-T-TC. GRCh37 (hg19) VCF-style: chr3-196434743-T-TC.
Other names: c.65dup, p.His23fs (NM_001379468.1); c.170dup, p.His58fs (NM_001379469.1, NM_001379470.1); short protein forms H23fs, H58fs.
Identifiers: ClinVar variation 1473039 (VCV001473039.6), dbSNP rs2108662934, ClinGen allele CA2573136884.